The following is an entry in ClinVar:

ClinVar aggregate classification (germline): Likely benign. Review status: criteria provided, multiple submitters, no conflicts (2 of 4 stars). 5 submissions from 5 submitters: Likely benign (3). 2 of the submissions do not count toward it. Last evaluated 2026-01-21.

Conditions:
Familial adenomatous polyposis 2. Also called: MUTYH-related attenuated familial adenomatous polyposis; MUTYH-associated polyposis; MYH-associated polyposis; FAP type 2; MUTYH Polyposis; COLORECTAL ADENOMATOUS POLYPOSIS, AUTOSOMAL RECESSIVE. Identifiers: Orphanet 220460, Orphanet 247798, MedGen C3272841, MONDO:0012041, OMIM 608456.
Hereditary cancer-predisposing syndrome. Also called: Tumor predisposition; Hereditary Cancer Syndrome; Neoplastic Syndromes, Hereditary; Hereditary neoplastic syndrome. Identifiers: Orphanet 140162, MedGen C0027672, MeSH D009386, MONDO:0015356.
MUTYH-related disorder. Also called: MUTYH-related condition; MUTYH-related disorders.

Allele frequency attached by ClinVar (database versions not stated): gnomAD exomes 0.00004; ExAC 0.00006; 1000 Genomes Project 30x 0.00016; gnomAD 0.00016 and 0.00018; TOPMed 0.00018; 1000 Genomes Project 0.00020.
gnomAD v4.1: 51 of 1,614,042 alleles (0.0032%); highest among the groups gnomAD compares: African/African-American, 0.06%; no homozygotes.

Submissions (5):

Labcorp Genetics (formerly Invitae), Labcorp
Classification: Likely benign for Familial adenomatous polyposis 2. Last evaluated: 2026-01-21. Review status: criteria provided, single submitter. Criteria: Invitae Variant Classification Sherloc (09022015). Collection method: clinical testing. Allele origin: germline.

Blueprint Genetics
Classification: Likely benign. Last evaluated: 2022-11-21. Review status: criteria provided, single submitter. Criteria: ACMG Guidelines, 2015. Collection method: clinical testing. Allele origin: germline.

Color Diagnostics, LLC DBA Color Health
Classification: Likely benign for Hereditary cancer-predisposing syndrome. Last evaluated: 2016-03-24. Review status: criteria provided, single submitter. Criteria: ACMG Guidelines, 2015. Collection method: clinical testing. Allele origin: germline.

PreventionGenetics, part of Exact Sciences
Classification: Likely benign for MUTYH-related condition. Last evaluated: 2022-02-21. Review status: no assertion criteria provided. Collection method: clinical testing. Allele origin: germline. Not counted in ClinVar's aggregate classification.
Comment: This variant is classified as likely benign based on ACMG/AMP sequence variant interpretation guidelines (Richards et al. 2015 PMID: 25741868, with internal and published modifications).

Counsyl
Classification: Likely benign for Familial adenomatous polyposis 2. Last evaluated: 2018-02-26. Review status: no assertion criteria provided. Collection method: clinical testing. Allele origin: unknown. Not counted in ClinVar's aggregate classification.

NM_001048174.2(MUTYH):c.420+16G>A

Gene: MUTYH (mutY DNA glycosylase; minus strand). Cytogenetic location: 1p34.1.
Variant type: single nucleotide variant.
Coding change: c.420+16G>A on transcript NM_001048174.2 (MANE Select); 16 bases into the intron after coding-DNA position 420, G replaced by A.
Molecular consequence: intron variant.
Genome position (GRCh38, 1-based): chr1:45,332,902, C>T on the plus strand (G>A on the coding strand, the complement: MUTYH is on the minus strand). VCF-style: chr1-45332902-C-T. GRCh37 (hg19) VCF-style: chr1-45798574-C-T.
Other names: c.75+16G>A (NM_001350651.2, NM_001350650.2); c.144+16G>A (NM_001293192.2, NM_001293196.2); c.420+16G>A (NM_001048171.2, NM_001048173.2, NM_001293195.2); c.465+16G>A (NM_001293190.2); c.495+16G>A (NM_012222.3); c.504+16G>A (NM_001128425.2); c.423+16G>A (NM_001048172.2); c.453+16G>A (NM_001293191.2).
Identifiers: ClinVar variation 492045 (VCV000492045.15), dbSNP rs576152721, ClinGen allele CA057998.